The following is an entry in ClinVar:

ClinVar aggregate classification (germline): Pathogenic (1 of 4 stars; one submission).

Submission:

GeneDx
Classification: Pathogenic. Last evaluated: 2016-10-24. Review status: criteria provided, single submitter. Criteria: GeneDx Variant Classification (06012015). Collection method: clinical testing. Allele origin: germline. Affected: yes.
Comment: The c.600_601dupGG variant in the ELANE gene causes a frameshift starting with codon Aspartic acid 201, changes this amino acid to a Glycine residue and creates a premature Stop codon at position 12 of the new reading frame, denoted p.Asp201GlyfsX12. This variant is predicted to cause loss of normal protein function through protein truncation, as the final 67 amino acids are replaced by 11 incorrect amino acids. The variant was not observed in approximately 6,500 individuals of European and African American ancestry in the NHLBI Exome Sequencing Project, indicating it is not a common benign variant in these populations.

NM_001972.2(ELANE):c.600_601dupGG

Gene: ELANE (elastase, neutrophil expressed; plus strand). Cytogenetic location: 19p13.3.
Variant type: Duplication.
Coding change: c.600_601dupGG on transcript NM_001972.2; coding-DNA positions 600 to 601, 2 bases duplicated (GG).
Genome position (GRCh38, 1-based): chr19:855,960-855,961, GG duplicated; duplicating any 2 consecutive bases within chr19:855,957-855,961 gives the same sequence; the c. name uses the placement nearest the transcript's 3' end. VCF-style (leftmost placement, unchanged base first): chr19-855956-A-AGG. GRCh37 (hg19) VCF-style: chr19-855956-A-AGG.
Identifiers: ClinVar variation 373070 (VCV000373070.3), dbSNP rs1057518191, ClinGen allele CA16043100.